The following is an entry in ClinVar:

NM_206933.4(USH2A):c.14893G>C (p.Val4965Leu)

Gene: USH2A (usherin; minus strand). Cytogenetic location: 1q41.
Variant type: single nucleotide variant.
Coding change: c.14893G>C on transcript NM_206933.4 (MANE Select); coding-DNA position 14893, G replaced by C.
Protein change: p.Val4965Leu; replaces valine 4965 with leucine.
Molecular consequence: missense variant.
Genome position (GRCh38, 1-based): chr1:215,640,633, C>G on the plus strand (G>C on the coding strand, the complement: USH2A is on the minus strand). VCF-style: chr1-215640633-C-G. GRCh37 (hg19) VCF-style: chr1-215813975-C-G.
Other names: c.14893G>C (NM_206933.2); short protein forms V4965L.
Identifiers: ClinVar variation 1964689 (VCV001964689.3), dbSNP rs149289393, ClinGen allele CA344827861.
Genomic context (GRCh38, chr1:215,640,633, plus strand): 5'-TCGGTATGTAGAGGGTGGTGTCCAAGCCGCTGTACACGCGTCGCCCTCCGTCGGTTAACA[C>G]GTACTCCTTCAGTTGGCCGTTCAGGAGGAAGGTGTCACTCCAGTTCACACACACCACAGA-3'
Protein context (NP_996816.3, residues 4955-4975): FLLNGQLKEY[Val4965Leu]LTDGGRRVYS

ClinVar aggregate classification (germline): Uncertain significance. Review status: criteria provided, multiple submitters, no conflicts (2 of 4 stars). 2 submissions from 2 submitters: Uncertain significance (2). Last evaluated 2025-01-01.

Conditions:
Inborn genetic diseases. Identifiers: MedGen C0950123, MeSH D030342.

Allele frequency attached by ClinVar (database versions not stated): gnomAD 0.00001; TOPMed 0.00001.
gnomAD v4.1: 16 of 1,613,788 alleles (0.00099%); highest among the groups gnomAD compares: Non-Finnish European, 0.0013%; no homozygotes.

Submissions (2):

Ambry Genetics
Classification: Uncertain significance for Inborn genetic diseases. Last evaluated: 2025-01-01. Review status: criteria provided, single submitter. Criteria: Ambry Variant Classification Scheme 2023. Collection method: clinical testing. Allele origin: germline.

Labcorp Genetics (formerly Invitae), Labcorp
Classification: Uncertain significance. Last evaluated: 2021-08-28. Review status: criteria provided, single submitter. Criteria: Invitae Variant Classification Sherloc (09022015). Collection method: clinical testing. Allele origin: germline.
Comment: This sequence change replaces valine with leucine at codon 4965 of the USH2A protein (p.Val4965Leu). The valine residue is highly conserved and there is a small physicochemical difference between valine and leucine. This variant is not present in population databases (ExAC no frequency). This variant has not been reported in the literature in individuals affected with USH2A-related conditions. Algorithms developed to predict the effect of missense changes on protein structure and function (SIFT, PolyPhen-2, Align-GVGD) all suggest that this variant is likely to be tolerated. In summary, the available evidence is currently insufficient to determine the role of this variant in disease. Therefore, it has been classified as a Variant of Uncertain Significance.